The following is an entry in ClinVar:

NM_001267550.2(TTN):c.106691A>G (p.Lys35564Arg)

Genes: TTN (titin; minus strand), TTN-AS1 (TTN antisense RNA 1; plus strand). Cytogenetic location: 2q31.2.
Variant type: single nucleotide variant.
Coding change: c.106691A>G on transcript NM_001267550.2 (MANE Select); coding-DNA position 106691, A replaced by G.
Protein change: p.Lys35564Arg; replaces lysine 35564 with arginine.
Molecular consequence: missense variant.
Genome position (GRCh38, 1-based): chr2:178,529,060, T>C on the plus strand (A>G on the coding strand, the complement: TTN is on the minus strand). VCF-style: chr2-178529060-T-C. GRCh37 (hg19) VCF-style: chr2-179393787-T-C.
Other names: c.101768A>G, p.Lys33923Arg (NM_001256850.1); c.79496A>G, p.Lys26499Arg (NM_003319.4); c.98987A>G, p.Lys32996Arg (NM_133378.4); c.79871A>G, p.Lys26624Arg (NM_133432.3); c.80072A>G, p.Lys26691Arg (NM_133437.4); short protein forms K26499R, K26624R, K26691R, K32996R, K33923R, K35564R.
Identifiers: ClinVar variation 2437501 (VCV002437501.5), dbSNP rs917562823, ClinGen allele CA60950738.
Genomic context (GRCh38, chr2:178,529,060, plus strand): 5'-AGGGAGGTTGCTGCTGATTTCTTGACTTCTTCAGAAATCAGAACCTTTGAAGCTTCCTCT[T>C]TGAGGGCTAACTTTTCTTGAGATTTTGCCTCTGACATCTTAATTTCTTCAGACCTTAGGG-3'
Protein context (NP_001254479.2, residues 35554-35574): EAKSQEKLAL[Lys35564Arg]EEASKVLISE

ClinVar aggregate classification (germline): Uncertain significance. Review status: criteria provided, multiple submitters, no conflicts (2 of 4 stars). 2 submissions from 2 submitters: Uncertain significance (2). Last evaluated 2026-01-06.

Conditions:
Dilated cardiomyopathy 1G (CMD1G). Identifiers: Orphanet 154, MedGen C1858763, MONDO:0011400, OMIM 604145.
Autosomal recessive limb-girdle muscular dystrophy type 2J (LGMDR10). Also called: MUSCULAR DYSTROPHY, LIMB-GIRDLE, AUTOSOMAL RECESSIVE 10; Limb-girdle muscular dystrophy, type 2J. Identifiers: Orphanet 140922, MedGen C1837342, MONDO:0012127, OMIM 608807.

Allele frequency attached by ClinVar (database versions not stated): gnomAD exomes below 0.00001; TOPMed below 0.00001.
gnomAD v4.1: 4 of 1,613,886 alleles (0.00025%); highest among the groups gnomAD compares: African/African-American, 0.0013%; no homozygotes.

Submissions (2):

Labcorp Genetics (formerly Invitae), Labcorp
Classification: Uncertain significance for Dilated cardiomyopathy 1G; Autosomal recessive limb-girdle muscular dystrophy type 2J. Last evaluated: 2026-01-06. Review status: criteria provided, single submitter. Criteria: Invitae Variant Classification Sherloc (09022015). Collection method: clinical testing. Allele origin: germline.
Comment: This sequence change replaces lysine, which is basic and polar, with arginine, which is basic and polar, at codon 35564 of the TTN protein (p.Lys35564Arg). This variant is present in population databases (no rsID available, gnomAD 0.007%). This variant has not been reported in the literature in individuals affected with TTN-related conditions. ClinVar contains an entry for this variant (Variation ID: 2437501). Experimental studies and prediction algorithms are not available or were not evaluated, and the functional significance of this variant is currently unknown. This variant is located in the M band of TTN (PMID: 25589632). Non-truncating variants in this region may be relevant for neuromuscular disorders, but have not been definitively shown to cause cardiomyopathy (PMID: 23975875). In summary, the available evidence is currently insufficient to determine the role of this variant in disease. Therefore, it has been classified as a Variant of Uncertain Significance.

Revvity Omics, Revvity
Classification: Uncertain significance. Last evaluated: 2020-12-09. Review status: criteria provided, single submitter. Criteria: ACMG Guidelines, 2015. Collection method: clinical testing. Allele origin: germline.

Literature cited by the submitters: PubMed 25589632 (cited by Labcorp Genetics (formerly Invitae), Labcorp); PubMed 23975875 (cited by Labcorp Genetics (formerly Invitae), Labcorp).